The following is an entry in ClinVar:

ClinVar aggregate classification (germline): Uncertain significance (1 of 4 stars; one submission).

Allele frequency attached by ClinVar (database versions not stated): TOPMed below 0.00001; gnomAD 0.00001; gnomAD exomes 0.00001.
gnomAD v4.1: 10 of 1,206,369 alleles (0.00083%); highest among the groups gnomAD compares: South Asian, 0.0036%; no homozygotes.

Submission:

GeneDx
Classification: Uncertain significance. Last evaluated: 2019-11-14. Review status: criteria provided, single submitter. Criteria: GeneDx Variant Classification Process June 2021. Collection method: clinical testing. Allele origin: germline. Affected: yes.
Comment: Not observed in large population cohorts (Lek et al., 2016); Nonsense variant predicted to result in protein truncation, although loss-of-function variants have not been reported downstream of this position in the protein; Has not been previously published as pathogenic or benign to our knowledge

NM_004463.3(FGD1):c.2872C>T (p.Arg958Ter)

Genes: FGD1 (FYVE, RhoGEF and PH domain containing 1; minus strand), TSR2 (TSR2 ribosome maturation factor; plus strand). Cytogenetic location: Xp11.22.
Variant type: single nucleotide variant.
Coding change: c.2872C>T on transcript NM_004463.3 (MANE Select); coding-DNA position 2872, C replaced by T.
Protein change: p.Arg958Ter; replaces arginine 958 with a stop codon.
Molecular consequence: nonsense. On other transcripts: 3 prime UTR variant (5).
Genome position (GRCh38, 1-based): chrX:54,446,123, G>A on the plus strand (C>T on the coding strand, the complement: FGD1 is on the minus strand). VCF-style: chrX-54446123-G-A. GRCh37 (hg19) VCF-style: chrX-54472556-G-A.
Other names: c.*1573G>A (NM_001346789.2, NM_001346790.2, NM_001346791.2 and 2 more transcripts); short protein forms R958*.
Identifiers: ClinVar variation 1309364 (VCV001309364.2), dbSNP rs1302476912, ClinGen allele CA413357709.